The following is an entry in ClinVar:

NM_015122.3(FCHO1):c.1899A>G (p.Thr633=)

Gene: FCHO1 (FCH and mu domain containing endocytic adaptor 1; plus strand). Cytogenetic location: 19p13.11.
Variant type: single nucleotide variant.
Coding change: c.1899A>G on transcript NM_015122.3 (MANE Select); coding-DNA position 1899, A replaced by G.
Protein change: p.Thr633=; no amino-acid change (threonine 633 retained).
Molecular consequence: synonymous variant. On other transcripts: non-coding transcript variant (36).
Genome position (GRCh38, 1-based): chr19:17,781,782, A>G. VCF-style: chr19-17781782-A-G. GRCh37 (hg19) VCF-style: chr19-17892591-A-G.
Other names: p.Thr633=; c.1899A>G, p.Thr633= (NM_001161357.2, NM_001161358.2, NM_001384370.1 and 13 more transcripts); c.1749A>G, p.Thr583= (NM_001161359.2, NM_001384384.1, NM_001384385.1 and 1 more transcripts); c.1860A>G, p.Thr620= (NM_001384388.1, NM_001384389.1, NM_001384405.1); c.1824A>G, p.Thr608= (NM_001384390.1); c.1782A>G, p.Thr594= (NM_001384392.1, NM_001384393.1, NM_001384394.1 and 1 more transcripts); c.1623A>G, p.Thr541= (NM_001384396.1, NM_001384397.1, NM_001384398.1 and 5 more transcripts); c.1578A>G, p.Thr526= (NM_001384403.1); and 2 more.
Identifiers: ClinVar variation 1165587 (VCV001165587.15), dbSNP rs2042298, ClinGen allele CA9300676.

ClinVar aggregate classification (germline): Benign. Review status: criteria provided, multiple submitters, no conflicts (2 of 4 stars). 6 submissions from 6 submitters: Benign (6). Last evaluated 2026-02-04.

Allele frequency attached by ClinVar (database versions not stated): 1000 Genomes Project 30x 0.85275; 1000 Genomes Project 0.85643; TOPMed 0.87765; gnomAD 0.88783 and 0.88789; ESP Exome Variant Server 0.89205; ExAC 0.91097; gnomAD exomes 0.91366 and 0.92938.
gnomAD v4.1: 1,489,647 of 1,610,402 alleles (93%); highest among the groups gnomAD compares: Non-Finnish European, 94%; 690,568 homozygotes.

Submissions (6):

Labcorp Genetics (formerly Invitae), Labcorp
Classification: Benign. Last evaluated: 2026-02-04. Review status: criteria provided, single submitter. Criteria: Invitae Variant Classification Sherloc (09022015). Collection method: clinical testing. Allele origin: germline.

Women's Health and Genetics/Laboratory Corporation of America, LabCorp
Classification: Benign. Last evaluated: 2026-01-21. Review status: criteria provided, single submitter. Criteria: LabCorp Variant Classification Summary - May 2015. Collection method: clinical testing. Allele origin: germline.

Blueprint Genetics
Classification: Benign. Last evaluated: 2024-11-28. Review status: criteria provided, single submitter. Criteria: ACMG Guidelines, 2015. Collection method: clinical testing. Allele origin: germline.

Unidad de Genómica Garrahan, Hospital de Pediatría Garrahan
Classification: Benign. Last evaluated: 2024-01-24. Review status: criteria provided, single submitter. Criteria: ACMG Guidelines, 2015. Collection method: clinical testing. Allele origin: germline. Affected: no. Observed: 94 variant alleles.
Comment: This variant is classified as Benign based on local population frequency. This variant was detected in 99% of patients studied by a panel of primary immunodeficiencies. Number of patients: 94. Only high quality variants are reported.

Mayo Clinic Laboratories, Mayo Clinic
Classification: Benign. Last evaluated: 2022-09-06. Review status: criteria provided, single submitter. Criteria: ACMG Guidelines, 2015. Collection method: clinical testing. Allele origin: germline. Observed: 94 variant alleles.

Breakthrough Genomics
Classification: Benign. Review status: criteria provided, single submitter. Criteria: ACMG Guidelines, 2015. Collection method: not provided. Allele origin: germline. Inheritance: Autosomal recessive inheritance. Affected: yes.